The following is an entry in ClinVar:

ClinVar aggregate classification (germline): Uncertain significance (1 of 4 stars; one submission).

Conditions:
Hereditary cancer-predisposing syndrome. Also called: Hereditary neoplastic syndrome; Neoplastic Syndromes, Hereditary; Tumor predisposition; Hereditary Cancer Syndrome. Identifiers: Orphanet 140162, MedGen C0027672, MeSH D009386, MONDO:0015356.

Submission:

Ambry Genetics
Classification: Uncertain significance for Hereditary cancer-predisposing syndrome. Last evaluated: 2025-08-30. Review status: criteria provided, single submitter. Criteria: Ambry Variant Classification Scheme 2023. Collection method: clinical testing. Allele origin: germline.
Comment: The p.G487A variant (also known as c.1460G>C), located in coding exon 11 of the APC gene, results from a G to C substitution at nucleotide position 1460. The glycine at codon 487 is replaced by alanine, an amino acid with similar properties. This amino acid position is conserved. In addition, in silico predictors for this gene do not accurately predict pathogenicity. Based on the available evidence, the clinical significance of this variant remains unclear.

NM_000038.6(APC):c.1460G>C (p.Gly487Ala)

Gene: APC (APC regulator of Wnt signaling pathway; plus strand). Cytogenetic location: 5q22.2.
Variant type: single nucleotide variant.
Coding change: c.1460G>C on transcript NM_000038.6 (MANE Select); coding-DNA position 1460, G replaced by C.
Protein change: p.Gly487Ala; replaces glycine 487 with alanine.
Molecular consequence: missense variant.
Genome position (GRCh38, 1-based): chr5:112,827,159, G>C. VCF-style: chr5-112827159-G-C. GRCh37 (hg19) VCF-style: chr5-112162856-G-C.
Other names: c.1376G>C, p.Gly459Ala (NM_001354899.2); c.1337G>C, p.Gly446Ala (NM_001354900.2); c.1514G>C, p.Gly505Ala (NM_001407449.1, NM_001407447.1, NM_001407448.1 and 1 more transcripts); c.1460G>C, p.Gly487Ala (NM_001407450.1, NM_001127510.3, NM_001354895.2); c.1439G>C, p.Gly480Ala (NM_001407451.1); c.1430G>C, p.Gly477Ala (NM_001407452.1); c.1283G>C, p.Gly428Ala (NM_001407453.1, NM_001354901.2); c.1211G>C, p.Gly404Ala (NM_001407454.1, NM_001407455.1, NM_001407456.1 and 1 more transcripts); and 11 more; short protein forms G386A, G396A, G446A, G477A, G480A, G487A, G515A, G103A.
Identifiers: ClinVar variation 4121692 (VCV004121692.1).